The following is an entry in ClinVar:

NM_007294.4(BRCA1):c.2063_2064del (p.Thr688fs)

Gene: BRCA1 (BRCA1 DNA repair associated; minus strand). Cytogenetic location: 17q21.31.
Variant type: Deletion.
Coding change: c.2063_2064del on transcript NM_007294.4 (MANE Select); coding-DNA positions 2063 to 2064, 2 bases deleted (CA; older notation c.2063_2064delCA).
Protein change: p.Thr688fs; shifts the reading frame from threonine 688.
Molecular consequence: frameshift variant. On other transcripts: intron variant (137).
Genome position (GRCh38, 1-based): chr17:43,093,467-43,093,468, TG deleted on the plus strand (CA on the coding strand, the reverse complement: BRCA1 is on the minus strand); deleting any 2 consecutive bases within chr17:43,093,467-43,093,469 gives the same sequence; the c. name uses the placement nearest the transcript's 3' end. VCF-style (leftmost placement, unchanged base first): chr17-43093466-TTG-T. GRCh37 (hg19) VCF-style: chr17-41245483-TTG-T.
Other names: c.1850_1851del, p.Thr617fs (NM_001407571.1, NM_001407853.1, NM_001407894.1 and 9 more transcripts); c.2063_2064del, p.Thr688fs (NM_001407581.1, NM_001407582.1, NM_001407583.1 and 30 more transcripts); c.2060_2061del, p.Thr687fs (NM_001407587.1, NM_001407590.1, NM_001407591.1 and 22 more transcripts); c.2054_2055del, p.Thr685fs (NM_001407646.1, NM_001407647.1); c.1940_1941del, p.Thr647fs (NM_001407648.1, NM_001407666.1, NM_001407667.1 and 19 more transcripts); c.1937_1938del, p.Thr646fs (NM_001407649.1, NM_001407670.1, NM_001407671.1 and 11 more transcripts); c.1985_1986del, p.Thr662fs (NM_001407653.1, NM_001407654.1, NM_001407655.1 and 4 more transcripts); c.1922_1923del, p.Thr641fs (NM_001407728.1, NM_001407729.1, NM_001407730.1 and 29 more transcripts); and 40 more; short protein forms T641fs, T688fs, T560fs, T561fs, T647fs, T687fs, T599fs, T600fs.
Identifiers: ClinVar variation 2030561 (VCV002030561.4), dbSNP rs2552194328, ClinGen allele CA2580094095.

ClinVar aggregate classification (germline): Pathogenic (1 of 4 stars; one submission).

Conditions:
Hereditary breast ovarian cancer syndrome. Also called: BRCA1- and BRCA2-Associated Hereditary Breast and Ovarian Cancer; Hereditary breast and ovarian cancer; Hereditary breast and ovarian cancer syndrome (HBOC); Breast and ovarian cancer; Hereditary breast and ovarian cancer syndrome; Hereditary breast and/or ovarian cancer syndrome. Identifiers: Orphanet 145, MedGen C0677776, MeSH D061325, MONDO:0003582. Disease mechanism: loss of function.

Submission:

Labcorp Genetics (formerly Invitae), Labcorp
Classification: Pathogenic for Hereditary breast ovarian cancer syndrome. Last evaluated: 2022-09-15. Review status: criteria provided, single submitter. Criteria: Invitae Variant Classification Sherloc (09022015). Collection method: clinical testing. Allele origin: germline.
Comment: This sequence change creates a premature translational stop signal (p.Thr688Lysfs*2) in the BRCA1 gene. It is expected to result in an absent or disrupted protein product. Loss-of-function variants in BRCA1 are known to be pathogenic (PMID: 20104584). This variant is not present in population databases (gnomAD no frequency). This variant has not been reported in the literature in individuals affected with BRCA1-related conditions. For these reasons, this variant has been classified as Pathogenic.

Literature cited by the submitters: PubMed 20104584.